The following is an entry in ClinVar:

NM_001130438.3(SPTAN1):c.4733C>T (p.Ser1578Leu)

Gene: SPTAN1 (spectrin alpha, non-erythrocytic 1; plus strand). Cytogenetic location: 9q34.11.
Variant type: single nucleotide variant.
Coding change: c.4733C>T on transcript NM_001130438.3 (MANE Select); coding-DNA position 4733, C replaced by T.
Protein change: p.Ser1578Leu; replaces serine 1578 with leucine.
Molecular consequence: missense variant.
Genome position (GRCh38, 1-based): chr9:128,609,259, C>T. VCF-style: chr9-128609259-C-T. GRCh37 (hg19) VCF-style: chr9-131371538-C-T.
Other names: c.4733C>T (NM_001130438.2); c.4673C>T, p.Ser1558Leu (NM_001195532.2, NM_001363765.2, NM_001375314.2); c.4733C>T, p.Ser1578Leu (NM_001363759.2, NM_001375310.1, NM_001375311.2 and 2 more transcripts); c.4769C>T, p.Ser1590Leu (NM_001375312.2, NM_001375318.1); short protein forms S1590L, S1578L, S1558L.
Identifiers: ClinVar variation 1353029 (VCV001353029.10), dbSNP rs756887707, ClinGen allele CA375069367.

ClinVar aggregate classification (germline): Uncertain significance. Review status: criteria provided, multiple submitters, no conflicts (2 of 4 stars). 3 submissions from 3 submitters: Uncertain significance (3). Last evaluated 2025-12-29.

Conditions:
Early-infantile DEE. Also called: Early infantile epileptic encephalopathy; Early infantile epileptic encephalopathy with suppression bursts; Ohtahara syndrome. Identifiers: Orphanet 1934, MedGen C0393706, MONDO:0800491.
Inborn genetic diseases. Identifiers: MedGen C0950123, MeSH D030342.

Allele frequency attached by ClinVar (database versions not stated): TOPMed below 0.00001.
gnomAD v4.1: 3 of 1,614,182 alleles (0.00019%); highest among the groups gnomAD compares: Non-Finnish European, 0.00025%; no homozygotes.

Submissions (3):

Dasa
Classification: Uncertain significance. Last evaluated: 2025-12-29. Review status: criteria provided, single submitter. Criteria: DASA Assertion Criteria. Collection method: clinical testing. Allele origin: germline.
Comment: NM_001130438.3(SPTAN1):c.4733C>T (p.Ser1578Leu) is a missense variant that results in the substitution of serine with leucine. This variant is rare in population databases. The currently available literature and clinical evidence are not sufficient to establish a definitive association between this variant and the reported condition. Therefore, this variant is classified as a variant of uncertain significance.

Ambry Genetics
Classification: Uncertain significance for Inborn genetic diseases. Last evaluated: 2025-11-26. Review status: criteria provided, single submitter. Criteria: Ambry Variant Classification Scheme 2023. Collection method: clinical testing. Allele origin: germline.

Labcorp Genetics (formerly Invitae), Labcorp
Classification: Uncertain significance for Early-infantile DEE. Last evaluated: 2022-10-17. Review status: criteria provided, single submitter. Criteria: Invitae Variant Classification Sherloc (09022015). Collection method: clinical testing. Allele origin: germline.
Comment: This variant has not been reported in the literature in individuals affected with SPTAN1-related conditions. This variant is not present in population databases (gnomAD no frequency). This sequence change replaces serine, which is neutral and polar, with leucine, which is neutral and non-polar, at codon 1578 of the SPTAN1 protein (p.Ser1578Leu). ClinVar contains an entry for this variant (Variation ID: 1353029). In summary, the available evidence is currently insufficient to determine the role of this variant in disease. Therefore, it has been classified as a Variant of Uncertain Significance. Advanced modeling of protein sequence and biophysical properties (such as structural, functional, and spatial information, amino acid conservation, physicochemical variation, residue mobility, and thermodynamic stability) has been performed at Invitae for this missense variant, however the output from this modeling did not meet the statistical confidence thresholds required to predict the impact of this variant on SPTAN1 protein function.